The following is an entry in ClinVar:

ClinVar aggregate classification (germline): Uncertain significance. Review status: criteria provided, multiple submitters, no conflicts (2 of 4 stars). 6 submissions from 6 submitters: Uncertain significance (3). 3 of the submissions do not count toward it. Last evaluated 2026-06-13.

Conditions:
MAGEL2-related disorder. Also called: MAGEL2-related condition.
Schaaf-Yang syndrome (SHFYNG). Also called: Arthrogryposis, distal, with hypopituitarism, intellectual disability, and facial anomalies; MAGEL2-related Prader-Willi-like syndrome. Identifiers: Orphanet 398069, MedGen C5575066, MONDO:0014243, OMIM 615547.

Allele frequency attached by ClinVar (database versions not stated): gnomAD exomes 0.00001; ExAC 0.00003; gnomAD 0.00003; TOPMed 0.00003.

Submissions (6):

PreventionGenetics, part of Exact Sciences
Classification: Uncertain significance for MAGEL2-related condition. Last evaluated: 2026-06-13. Review status: criteria provided, single submitter. Criteria: ACMG Guidelines, 2015. Collection method: clinical testing. Allele origin: germline.
Comment: The MAGEL2 c.1894G>A variant is predicted to result in the amino acid substitution p.Ala632Thr. To our knowledge, this variant has not been reported in the literature. This variant is reported in 0.0013% of alleles in individuals of European (Non-Finnish) descent in gnomAD. At this time, the clinical significance of this variant is uncertain due to the absence of conclusive functional and genetic evidence.

Labcorp Genetics (formerly Invitae), Labcorp
Classification: Uncertain significance. Last evaluated: 2023-08-06. Review status: criteria provided, single submitter. Criteria: Invitae Variant Classification Sherloc (09022015). Collection method: clinical testing. Allele origin: germline.
Comment: This sequence change replaces alanine, which is neutral and non-polar, with threonine, which is neutral and polar, at codon 632 of the MAGEL2 protein (p.Ala632Thr). The frequency data for this variant in the population databases is considered unreliable, as metrics indicate poor data quality at this position in the gnomAD database. This missense change has been observed in individual(s) with Opitz trigonocephaly C syndrome (PMID: 28281571). ClinVar contains an entry for this variant (Variation ID: 1206055). Advanced modeling of protein sequence and biophysical properties (such as structural, functional, and spatial information, amino acid conservation, physicochemical variation, residue mobility, and thermodynamic stability) performed at Invitae indicates that this missense variant is not expected to disrupt MAGEL2 protein function. In summary, the available evidence is currently insufficient to determine the role of this variant in disease. Therefore, it has been classified as a Variant of Uncertain Significance.

Victorian Clinical Genetics Services, Murdoch Childrens Research Institute
Classification: Uncertain significance for Schaaf-Yang syndrome. Last evaluated: 2019-08-28. Review status: criteria provided, single submitter. Criteria: ACMG Guidelines, 2015. Collection method: clinical testing. Allele origin: germline. Inheritance: Autosomal dominant inheritance.
Comment: A heterozygous missense variant was identified, NM_019066.4(MAGEL2):c.1894G>A in exon 1 of 1 of the MAGEL2 gene. The substitution is predicted to create a minor amino acid change from alanine to threonine at position 632 of the protein, NP_061939.3(MAGEL2):p.(Ala632Thr). The alanine at this position has low conservation (100 vertebrates, UCSC) and is located within the PAT1 domain. In silico software predicts this variant to be benign (Polyphen, SIFT, CADD, Mutation Taster). The variant is present in the gnomAD population database at a frequency of 0.001% (2 heterozygotes, 0 homozygotes). MAGEL2 is a maternally-imprinted gene (Schaaf, C.P. et al. (2013)). It has been previously reported on the maternal allele of a patient with Opitz trigonocephaly C syndrome (OTCS) which is predicted to be silenced due to gene imprinting (Urreizti, R. et al. (2017)). Based on information available at the time of curation, this variant has been classified as a VARIANT of UNCERTAIN SIGNIFICANCE (VUS) with LOW CLINICAL RELEVANCE.

Clinical Genetics DNA and cytogenetics Diagnostics Lab, Erasmus MC, Erasmus Medical Center
Classification: Likely benign. Review status: no assertion criteria provided. Collection method: clinical testing. Allele origin: germline. Affected: yes. Study: VKGL Data-share Consensus. Not counted in ClinVar's aggregate classification.

Clinical Genetics, Academic Medical Center
Classification: Likely benign. Review status: no assertion criteria provided. Collection method: clinical testing. Allele origin: germline. Affected: yes. Study: VKGL Data-share Consensus. Not counted in ClinVar's aggregate classification.

Laboratory of Diagnostic Genome Analysis, Leiden University Medical Center (LUMC)
Classification: Likely benign. Review status: no assertion criteria provided. Collection method: clinical testing. Allele origin: germline. Affected: yes. Study: VKGL Data-share Consensus. Not counted in ClinVar's aggregate classification.

Literature cited by the submitters: PubMed 28281571 (cited by Labcorp Genetics (formerly Invitae), Labcorp).

NM_019066.5(MAGEL2):c.1894G>A (p.Ala632Thr)

Gene: MAGEL2 (MAGE family member L2; minus strand). Cytogenetic location: 15q11.2.
Variant type: single nucleotide variant.
Coding change: c.1894G>A on transcript NM_019066.5 (MANE Select); coding-DNA position 1894, G replaced by A.
Protein change: p.Ala632Thr; replaces alanine 632 with threonine.
Molecular consequence: missense variant.
Genome position (GRCh38, 1-based): chr15:23,645,849, C>T on the plus strand (G>A on the coding strand, the complement: MAGEL2 is on the minus strand). VCF-style: chr15-23645849-C-T. GRCh37 (hg19) VCF-style: chr15-23890996-C-T.
Other names: c.1894G>A (NM_019066.4); short protein forms A632T.
Identifiers: ClinVar variation 1206055 (VCV001206055.9), dbSNP rs777626175, ClinGen allele CA7430008.